The following is an entry in ClinVar:

ClinVar aggregate classification (germline): Uncertain significance (1 of 4 stars; one submission).

Conditions:
Ehlers-Danlos syndrome, classic type, 1 (EDSCL1). Also called: EHLERS-DANLOS SYNDROME, GRAVIS TYPE; EHLERS-DANLOS SYNDROME, SEVERE CLASSIC TYPE; Ehlers-Danlos syndrome, type 1; Ehlers-Danlos Syndrome, Classic Type, COL5A1-Related; EDS I. Identifiers: MedGen C0268335, MONDO:0019567, OMIM 130000.
Osteogenesis imperfecta type I (OI1). Also called: OI, TYPE I; OSTEOGENESIS IMPERFECTA TARDA; OSTEOGENESIS IMPERFECTA WITH BLUE SCLERAE; Osteogenesis imperfecta type 1; Lobstein's Disease; Lobstein disease. Identifiers: Orphanet 216796, Orphanet 666, MedGen C0023931, MONDO:0008146, OMIM 166200. Disease mechanism: loss of function.

Submission:

Labcorp Genetics (formerly Invitae), Labcorp
Classification: Uncertain significance for Osteogenesis imperfecta type I; Ehlers-Danlos syndrome, classic type, 1. Last evaluated: 2022-12-06. Review status: criteria provided, single submitter. Criteria: Invitae Variant Classification Sherloc (09022015). Collection method: clinical testing. Allele origin: germline.
Comment: This sequence change falls in intron 47 of the COL1A2 gene. It does not directly change the encoded amino acid sequence of the COL1A2 protein. It affects a nucleotide within the consensus splice site. This variant is not present in population databases (gnomAD no frequency). ClinVar contains an entry for this variant (Variation ID: 1461175). Variants that disrupt the consensus splice site are a relatively common cause of aberrant splicing (PMID: 17576681, 9536098). Algorithms developed to predict the effect of sequence changes on RNA splicing suggest that this variant may disrupt the consensus splice site. This variant has not been reported in the literature in individuals affected with COL1A2-related conditions. In summary, the available evidence is currently insufficient to determine the role of this variant in disease. Therefore, it has been classified as a Variant of Uncertain Significance.

Literature cited by the submitters: PubMed 17576681; PubMed 9536098.

NM_000089.4(COL1A2):c.3159+3A>C

Gene: COL1A2 (collagen type I alpha 2 chain; plus strand). Cytogenetic location: 7q21.3.
Variant type: single nucleotide variant.
Coding change: c.3159+3A>C on transcript NM_000089.4 (MANE Select); 3 bases into the intron after coding-DNA position 3159, A replaced by C.
Molecular consequence: intron variant.
Genome position (GRCh38, 1-based): chr7:94,427,064, A>C. VCF-style: chr7-94427064-A-C. GRCh37 (hg19) VCF-style: chr7-94056376-A-C.
Identifiers: ClinVar variation 1461175 (VCV001461175.6), dbSNP rs2115957293, ClinGen allele CA2573142493.